The following is an entry in ClinVar:

ClinVar aggregate classification (germline): Pathogenic (1 of 4 stars; one submission).

Conditions:
Isovaleryl-CoA dehydrogenase deficiency (IVA). Also called: ISOVALERIC ACID CoA DEHYDROGENASE DEFICIENCY; Isovaleric acidemia; IVD DEFICIENCY; Classic Isovaleric Acidemia. Identifiers: Orphanet 33, MedGen C0268575, MONDO:0009475, OMIM 243500.

Submission:

Labcorp Genetics (formerly Invitae), Labcorp
Classification: Pathogenic for Isovaleryl-CoA dehydrogenase deficiency. Last evaluated: 2023-07-03. Review status: criteria provided, single submitter. Criteria: Invitae Variant Classification Sherloc (09022015). Collection method: clinical testing. Allele origin: germline.
Comment: This sequence change creates a premature translational stop signal (p.Ile95Serfs*48) in the IVD gene. It is expected to result in an absent or disrupted protein product. Loss-of-function variants in IVD are known to be pathogenic (PMID: 16602101). This variant is not present in population databases (gnomAD no frequency). This variant has not been reported in the literature in individuals affected with IVD-related conditions. Algorithms developed to predict the effect of sequence changes on RNA splicing suggest that this variant may create or strengthen a splice site. For these reasons, this variant has been classified as Pathogenic.

Literature cited by the submitters: PubMed 16602101.

NM_002225.5(IVD):c.275_285del (p.Ile92fs)

Gene: IVD (isovaleryl-CoA dehydrogenase; plus strand). Cytogenetic location: 15q15.1.
Variant type: Deletion.
Coding change: c.275_285del on transcript NM_002225.5 (MANE Select); coding-DNA positions 275 to 285, 11 bases deleted (TCACAGCCCCT).
Protein change: p.Ile92fs; shifts the reading frame from isoleucine 92.
Molecular consequence: frameshift variant. On other transcripts: non-coding transcript variant (1).
Genome position (GRCh38, 1-based): chr15:40,407,979-40,407,989, TCACAGCCCCT deleted. VCF-style (leftmost placement, unchanged base first): chr15-40407978-ATCACAGCCCCT-A. GRCh37 (hg19) VCF-style: chr15-40700177-ATCACAGCCCCT-A.
Other names: c.185_195del, p.Ile62fs (NM_001159508.3); c.227_237del, p.Ile76fs (NM_001354597.3); c.275_285del, p.Ile92fs (NM_001354598.3, NM_001354601.3); c.362_372del, p.Ile121fs (NM_001354599.3, NM_001354600.3); short protein forms I76fs, I121fs, I62fs, I92fs.
Identifiers: ClinVar variation 2735812 (VCV002735812.3), dbSNP rs2542649911, ClinGen allele CA2697554331.